The following is an entry in ClinVar:

ClinVar aggregate classification (germline): Uncertain significance. Review status: criteria provided, multiple submitters, no conflicts (2 of 4 stars). 2 submissions from 2 submitters: Uncertain significance (2). Last evaluated 2024-11-14.

Conditions:
Inborn genetic diseases. Identifiers: MedGen C0950123, MeSH D030342.

Allele frequency attached by ClinVar (database versions not stated): ExAC 0.00001; gnomAD 0.00001; TOPMed 0.00001; ESP Exome Variant Server 0.00008.
gnomAD v4.1: 23 of 1,613,832 alleles (0.0014%); highest among the groups gnomAD compares: African/African-American, 0.0027%; no homozygotes.

Submissions (2):

Ambry Genetics
Classification: Uncertain significance for Inborn genetic diseases. Last evaluated: 2024-11-14. Review status: criteria provided, single submitter. Criteria: Ambry Variant Classification Scheme 2023. Collection method: clinical testing. Allele origin: germline.

Labcorp Genetics (formerly Invitae), Labcorp
Classification: Uncertain significance. Last evaluated: 2022-07-13. Review status: criteria provided, single submitter. Criteria: Invitae Variant Classification Sherloc (09022015). Collection method: clinical testing. Allele origin: germline.
Comment: This sequence change replaces asparagine, which is neutral and polar, with serine, which is neutral and polar, at codon 2044 of the CAD protein (p.Asn2044Ser). This variant is present in population databases (rs377393330, gnomAD 0.007%). This variant has not been reported in the literature in individuals affected with CAD-related conditions. Algorithms developed to predict the effect of missense changes on protein structure and function (SIFT, PolyPhen-2, Align-GVGD) all suggest that this variant is likely to be disruptive. In summary, the available evidence is currently insufficient to determine the role of this variant in disease. Therefore, it has been classified as a Variant of Uncertain Significance.

NM_004341.5(CAD):c.6131A>G (p.Asn2044Ser)

Gene: CAD (carbamoyl-phosphate synthetase 2, aspartate transcarbamylase, and dihydroorotase; plus strand). Cytogenetic location: 2p23.3.
Variant type: single nucleotide variant.
Coding change: c.6131A>G on transcript NM_004341.5 (MANE Select); coding-DNA position 6131, A replaced by G.
Protein change: p.Asn2044Ser; replaces asparagine 2044 with serine.
Molecular consequence: missense variant.
Genome position (GRCh38, 1-based): chr2:27,242,336, A>G. VCF-style: chr2-27242336-A-G. GRCh37 (hg19) VCF-style: chr2-27465204-A-G.
Other names: c.5942A>G, p.Asn1981Ser (NM_001306079.2); c.6131A>G (NM_004341.3); short protein forms N1981S, N2044S.
Identifiers: ClinVar variation 1896731 (VCV001896731.3), dbSNP rs377393330, ClinGen allele CA1574132.